The following is an entry in ClinVar:

NM_000051.4(ATM):c.1611T>C (p.Pro537=)

Gene: ATM (ATM serine/threonine kinase; plus strand). Cytogenetic location: 11q22.3.
Variant type: single nucleotide variant.
Coding change: c.1611T>C on transcript NM_000051.4 (MANE Select); coding-DNA position 1611, T replaced by C.
Protein change: p.Pro537=; no amino-acid change (proline 537 retained).
Molecular consequence: synonymous variant.
Genome position (GRCh38, 1-based): chr11:108,251,840, T>C. VCF-style: chr11-108251840-T-C. GRCh37 (hg19) VCF-style: chr11-108122567-T-C.
Other names: c.1611T>C (NM_000051.3); c.1611T>C, p.Pro537= (NM_001351834.2).
Identifiers: ClinVar variation 1611421 (VCV001611421.10), dbSNP rs2135338657, ClinGen allele CA476672024.

ClinVar aggregate classification (germline): Benign/Likely benign. Review status: criteria provided, multiple submitters, no conflicts (2 of 4 stars). 3 submissions from 3 submitters: Benign (1); Likely benign (2). Last evaluated 2024-07-02.

Conditions:
Hereditary cancer-predisposing syndrome. Also called: Neoplastic Syndromes, Hereditary; Hereditary neoplastic syndrome; Tumor predisposition; Hereditary Cancer Syndrome. Identifiers: Orphanet 140162, MedGen C0027672, MeSH D009386, MONDO:0015356.
Ataxia-telangiectasia syndrome (AT). Also called: Cerebello-oculocutaneous telangiectasia; Immunodeficiency with ataxia telangiectasia; Ataxia telangiectasia (A-T); Ataxia-telangiectasia, complementation group E; LOUIS-BAR SYNDROME; Ataxia-telangiectasia. Identifiers: Orphanet 100, MedGen C0004135, MONDO:0008840, OMIM 208900.
Familial cancer of breast. Also called: BREAST CANCER, FAMILIAL; Hereditary breast cancer; hereditary breast carcinoma. Identifiers: Orphanet 227535, MedGen C0346153, MONDO:0016419, OMIM 114480. Disease mechanism: loss of function.

Submissions (3):

Ambry Genetics
Classification: Likely benign for Hereditary cancer-predisposing syndrome. Last evaluated: 2024-07-02. Review status: criteria provided, single submitter. Criteria: Ambry Variant Classification Scheme 2023. Collection method: clinical testing. Allele origin: germline.

Myriad Genetics, Inc.
Classification: Benign for Familial cancer of breast. Last evaluated: 2024-04-30. Review status: criteria provided, single submitter. Criteria: Myriad Autosomal Dominant, Autosomal Recessive and X-Linked Classification Criteria (2023). Collection method: clinical testing. Allele origin: unknown.
Comment: This variant is considered benign. This variant is a silent/synonymous amino acid change and it is not expected to impact splicing.

Labcorp Genetics (formerly Invitae), Labcorp
Classification: Likely benign for Ataxia-telangiectasia syndrome. Last evaluated: 2021-05-23. Review status: criteria provided, single submitter. Criteria: Invitae Variant Classification Sherloc (09022015). Collection method: clinical testing. Allele origin: germline.